The following is an entry in ClinVar:

ClinVar aggregate classification (germline): Uncertain significance (1 of 4 stars; one submission).

Submission:

Labcorp Genetics (formerly Invitae), Labcorp
Classification: Uncertain significance. Last evaluated: 2022-07-07. Review status: criteria provided, single submitter. Criteria: Invitae Variant Classification Sherloc (09022015). Collection method: clinical testing. Allele origin: germline.
Comment: This sequence change replaces methionine, which is neutral and non-polar, with isoleucine, which is neutral and non-polar, at codon 611 of the CLCN2 protein (p.Met611Ile). This variant is not present in population databases (gnomAD no frequency). This variant has not been reported in the literature in individuals affected with CLCN2-related conditions. Advanced modeling of protein sequence and biophysical properties (such as structural, functional, and spatial information, amino acid conservation, physicochemical variation, residue mobility, and thermodynamic stability) performed at Invitae indicates that this missense variant is not expected to disrupt CLCN2 protein function. In summary, the available evidence is currently insufficient to determine the role of this variant in disease. Therefore, it has been classified as a Variant of Uncertain Significance.

NM_004366.6(CLCN2):c.1833G>T (p.Met611Ile)

Gene: CLCN2 (chloride voltage-gated channel 2; minus strand). Cytogenetic location: 3q27.1.
Variant type: single nucleotide variant.
Coding change: c.1833G>T on transcript NM_004366.6 (MANE Select); coding-DNA position 1833, G replaced by T.
Protein change: p.Met611Ile; replaces methionine 611 with isoleucine.
Molecular consequence: missense variant.
Genome position (GRCh38, 1-based): chr3:184,353,684, C>A on the plus strand (G>T on the coding strand, the complement: CLCN2 is on the minus strand). VCF-style: chr3-184353684-C-A. GRCh37 (hg19) VCF-style: chr3-184071472-C-A.
Other names: c.1782G>T, p.Met594Ile (NM_001171087.3); c.1701G>T, p.Met567Ile (NM_001171088.3); c.1833G>T, p.Met611Ile (NM_001171089.3); short protein forms M567I, M611I, M594I.
Identifiers: ClinVar variation 2010725 (VCV002010725.4), dbSNP rs2474240767, ClinGen allele CA355449167.